The following is an entry in ClinVar:

NM_000488.4(SERPINC1):c.362T>G (p.Met121Arg)

Gene: SERPINC1 (serpin family C member 1; minus strand). Cytogenetic location: 1q25.1.
Variant type: single nucleotide variant.
Coding change: c.362T>G on transcript NM_000488.4 (MANE Select); coding-DNA position 362, T replaced by G.
Protein change: p.Met121Arg; replaces methionine 121 with arginine.
Molecular consequence: missense variant.
Genome position (GRCh38, 1-based): chr1:173,914,599, A>C on the plus strand (T>G on the coding strand, the complement: SERPINC1 is on the minus strand). VCF-style: chr1-173914599-A-C. GRCh37 (hg19) VCF-style: chr1-173883737-A-C.
Other names: NM_001386306.1:c.362T>G; c.218T>G, p.Met73Arg (NM_001365052.2); c.362T>G, p.Met121Arg (NM_001386302.1, NM_001386304.1, NM_001386305.1 and 1 more transcripts); c.443T>G, p.Met148Arg (NM_001386303.1); short protein forms M121R, M148R, M73R.
Identifiers: ClinVar variation 4686610 (VCV004686610.2).

ClinVar aggregate classification (germline): Uncertain significance (3 of 4 stars; one submission).

Conditions:
Hereditary antithrombin deficiency (AT3D). Also called: Reduced antithrombin III activity; Antithrombin III deficiency; Thrombophilia due to antithrombin III deficiency; Antithrombin deficiency. Identifiers: Orphanet 82, MedGen C0272375, MONDO:0013144, OMIM 613118, HP:0001976.

Submission:

Clingen Thrombosis Variant Curation Expert Panel, ClinGen
Classification: Uncertain significance for Hereditary antithrombin deficiency. Last evaluated: 2025-09-19. Review status: reviewed by expert panel. Criteria: ClinGen ACMG Specifications SERPINC1 V1.0.0. Collection method: curation. Allele origin: germline. Inheritance: Autosomal dominant inheritance.
Comment: The c.362T>G (NM_000488.3) variant in SERPINC1 is a missense variant predicted to cause substitution of methionine by threonine at the highly conserved amino acid 121 (p.Met121Arg, also known as p.Met89Arg in the literature per older nomenclature), which is located in an alpha-helix secondary structure in the serpin domain. In addition, an amino acid residue in the vicinity forms part of a disulfide bond (residue 127) and another undergoes glycosylation (residue 128). The variant is absent from gnomAD v4.1.0 (PM2_supporting). The computational predictor REVEL gives a score of 0.943, which is above the threshold of 0.6, which correlates with a deleterious impact to SERPINC1 function (PP3). In-vitro testing of transfected HEK293 cells demonstrated by Western blot analysis, a high AT protein expression in the p.Met121Arg cell lysates but low protein expression in the media, consistent with a secretion defect (PS3_supporting; PMID: 38474138). In summary, based on the evidence available at this time, the clinical significance of this variant is uncertain. ACMG/AMP criteria applied, as specified by the Thrombosis Variant Curation Expert Panel: PS3_supporting, PM2_Supporting, PP3.

Literature cited by the submitters: PubMed 38474138.